The following is an entry in ClinVar:

NM_015386.3(COG4):c.398C>T (p.Ala133Val)

Gene: COG4 (component of oligomeric golgi complex 4; minus strand). Cytogenetic location: 16q22.1.
Variant type: single nucleotide variant.
Coding change: c.398C>T on transcript NM_015386.3 (MANE Select); coding-DNA position 398, C replaced by T.
Protein change: p.Ala133Val; replaces alanine 133 with valine.
Molecular consequence: missense variant. On other transcripts: non-coding transcript variant (1), 5 prime UTR variant (1).
Genome position (GRCh38, 1-based): chr16:70,514,481, G>A on the plus strand (C>T on the coding strand, the complement: COG4 is on the minus strand). VCF-style: chr16-70514481-G-A. GRCh37 (hg19) VCF-style: chr16-70548384-G-A.
Other names: c.386C>T, p.Ala129Val (NM_001195139.2); c.-29C>T (NM_001365426.1); short protein forms A133V, A129V.
Identifiers: ClinVar variation 3638578 (VCV003638578.2).

ClinVar aggregate classification (germline): Uncertain significance (1 of 4 stars; one submission).

Conditions:
COG4-congenital disorder of glycosylation. Also called: CONGENITAL DISORDER OF GLYCOSYLATION, TYPE IIj; CDG IIj; COG4-CDG. Identifiers: Orphanet 263501, MedGen C4303552, MONDO:0013281, OMIM 613489.

gnomAD v4.1: 1 of 1,614,102 alleles (0.000062%); highest among the groups gnomAD compares: Non-Finnish European, 0.000085%; no homozygotes.

Submission:

Labcorp Genetics (formerly Invitae), Labcorp
Classification: Uncertain significance for COG4-congenital disorder of glycosylation. Last evaluated: 2025-10-23. Review status: criteria provided, single submitter. Criteria: Invitae Variant Classification Sherloc (09022015). Collection method: clinical testing. Allele origin: germline.
Comment: This sequence change replaces alanine, which is neutral and non-polar, with valine, which is neutral and non-polar, at codon 133 of the COG4 protein (p.Ala133Val). This variant is not present in population databases (gnomAD no frequency). This variant has not been reported in the literature in individuals affected with COG4-related conditions. ClinVar contains an entry for this variant (Variation ID: 3638578). Invitae Evidence Modeling of protein sequence and biophysical properties (such as structural, functional, and spatial information, amino acid conservation, physicochemical variation, residue mobility, and thermodynamic stability) indicates that this missense variant is not expected to disrupt COG4 protein function with a negative predictive value of 80%. In summary, the available evidence is currently insufficient to determine the role of this variant in disease. Therefore, it has been classified as a Variant of Uncertain Significance.